The following is an entry in ClinVar:

NM_002180.3(IGHMBP2):c.856C>T (p.Arg286Trp)

Gene: IGHMBP2 (immunoglobulin mu DNA binding protein 2; plus strand). Cytogenetic location: 11q13.3.
Variant type: single nucleotide variant.
Coding change: c.856C>T on transcript NM_002180.3 (MANE Select); coding-DNA position 856, C replaced by T.
Protein change: p.Arg286Trp; replaces arginine 286 with tryptophan.
Molecular consequence: missense variant.
Genome position (GRCh38, 1-based): chr11:68,914,967, C>T. VCF-style: chr11-68914967-C-T. GRCh37 (hg19) VCF-style: chr11-68682435-C-T.
Other names: short protein forms R286W.
Identifiers: ClinVar variation 245927 (VCV000245927.9), dbSNP rs751421003, ClinGen allele CA6153411.

ClinVar aggregate classification (germline): Uncertain significance. Review status: criteria provided, multiple submitters, no conflicts (2 of 4 stars). 2 submissions from 2 submitters: Uncertain significance (2). Last evaluated 2025-01-22.

Conditions:
Autosomal recessive distal spinal muscular atrophy 1. Also called: HMN VI; NEURONOPATHY, SEVERE INFANTILE AXONAL, WITH RESPIRATORY FAILURE; NEURONOPATHY, DISTAL HEREDITARY MOTOR, HARDING TYPE VI; NEUROPATHY, DISTAL HEREDITARY MOTOR, AUTOSOMAL RECESSIVE 1; SEVERE INFANTILE AXONAL NEUROPATHY WITH RESPIRATORY FAILURE; SPINAL MUSCULAR ATROPHY, DIAPHRAGMATIC. Identifiers: Orphanet 98920, MedGen C1858517, MONDO:0011436, OMIM 604320.
Charcot-Marie-Tooth disease axonal type 2S. Also called: CHARCOT-MARIE-TOOTH DISEASE, AXONAL, AUTOSOMAL RECESSIVE, TYPE 2S; CHARCOT-MARIE-TOOTH NEUROPATHY, TYPE 2S. Identifiers: Orphanet 443073, MedGen C4015349, MONDO:0014511, OMIM 616155.

Allele frequency attached by ClinVar (database versions not stated): TOPMed 0.00001; ExAC 0.00002; gnomAD 0.00004; gnomAD exomes 0.00004.
gnomAD v4.1: 75 of 1,614,016 alleles (0.0046%); highest among the groups gnomAD compares: Middle Eastern, 0.033%; no homozygotes.

Submissions (2):

GeneDx
Classification: Uncertain significance. Last evaluated: 2025-01-22. Review status: criteria provided, single submitter. Criteria: GeneDx Variant Classification Process June 2021. Collection method: clinical testing. Allele origin: germline. Affected: yes.
Comment: Not observed at significant frequency in large population cohorts (gnomAD); In silico analysis supports that this missense variant has a deleterious effect on protein structure/function; Has not been previously published as pathogenic or benign to our knowledge; This variant is associated with the following publications: (PMID: 22965130, 24388491, 25439726)

Labcorp Genetics (formerly Invitae), Labcorp
Classification: Uncertain significance for Autosomal recessive distal spinal muscular atrophy 1; Charcot-Marie-Tooth disease axonal type 2S. Last evaluated: 2021-11-20. Review status: criteria provided, single submitter. Criteria: Invitae Variant Classification Sherloc (09022015). Collection method: clinical testing. Allele origin: germline.
Comment: This sequence change replaces arginine, which is basic and polar, with tryptophan, which is neutral and slightly polar, at codon 286 of the IGHMBP2 protein (p.Arg286Trp). This variant is present in population databases (rs751421003, gnomAD 0.009%). This variant has not been reported in the literature in individuals affected with IGHMBP2-related conditions. ClinVar contains an entry for this variant (Variation ID: 245927). Advanced modeling of protein sequence and biophysical properties (such as structural, functional, and spatial information, amino acid conservation, physicochemical variation, residue mobility, and thermodynamic stability) performed at Invitae indicates that this missense variant is not expected to disrupt IGHMBP2 protein function. In summary, the available evidence is currently insufficient to determine the role of this variant in disease. Therefore, it has been classified as a Variant of Uncertain Significance.